The following is an entry in ClinVar:

ClinVar aggregate classification (germline): Uncertain significance (1 of 4 stars; one submission).

gnomAD v4.1: 5 of 1,611,868 alleles (0.00031%); highest among the groups gnomAD compares: African/African-American, 0.0067%; no homozygotes.

Submission:

GeneDx
Classification: Uncertain significance. Last evaluated: 2025-03-17. Review status: criteria provided, single submitter. Criteria: GeneDx Variant Classification Process June 2021. Collection method: clinical testing. Allele origin: germline. Affected: yes.
Comment: In silico analysis indicates that this missense variant does not alter protein structure/function; Has not been previously published as pathogenic or benign to our knowledge

NM_001018115.3(FANCD2):c.1780A>G (p.Ser594Gly)

Genes: FANCD2 (FA complementation group D2; plus strand), LOC107303338 (3p25 FANCD2 Alu-mediated recombination region; plus strand). Cytogenetic location: 3p25.3.
Variant type: single nucleotide variant.
Coding change: c.1780A>G on transcript NM_001018115.3 (MANE Select); coding-DNA position 1780, A replaced by G.
Protein change: p.Ser594Gly; replaces serine 594 with glycine.
Molecular consequence: missense variant.
Genome position (GRCh38, 1-based): chr3:10,062,164, A>G. VCF-style: chr3-10062164-A-G. GRCh37 (hg19) VCF-style: chr3-10103848-A-G.
Other names: c.1780A>G, p.Ser594Gly (NM_001319984.2, NM_001374254.1, NM_033084.6); c.1669A>G, p.Ser557Gly (NM_001374253.1); short protein forms S557G, S594G.
Identifiers: ClinVar variation 4086524 (VCV004086524.1).